The following is an entry in ClinVar:

ClinVar aggregate classification (germline): Uncertain significance (1 of 4 stars; one submission).

Conditions:
3-Methylglutaconic aciduria type 2 (BTHS). Also called: Barth syndrome; CARDIOSKELETAL MYOPATHY WITH NEUTROPENIA AND ABNORMAL MITOCHONDRIA. Identifiers: Orphanet 111, MedGen C0574083, MONDO:0010543, OMIM 302060.

Allele frequency attached by ClinVar (database versions not stated): gnomAD exomes 0.00001.
gnomAD v4.1: 7 of 1,211,790 alleles (0.00058%); highest among the groups gnomAD compares: Non-Finnish European, 0.00078%; no homozygotes.

Submission:

Labcorp Genetics (formerly Invitae), Labcorp
Classification: Uncertain significance for 3-Methylglutaconic aciduria type 2. Last evaluated: 2019-09-29. Review status: criteria provided, single submitter. Criteria: Invitae Variant Classification Sherloc (09022015). Collection method: clinical testing. Allele origin: germline.
Comment: In summary, the available evidence is currently insufficient to determine the role of this variant in disease. Therefore, it has been classified as a Variant of Uncertain Significance. Algorithms developed to predict the effect of missense changes on protein structure and function (SIFT, PolyPhen-2, Align-GVGD) all suggest that this variant is likely to be tolerated, but these predictions have not been confirmed by published functional studies and their clinical significance is uncertain. This variant has not been reported in the literature in individuals with TAZ-related conditions. This variant is not present in population databases (ExAC no frequency). This sequence change replaces glutamine with histidine at codon 283 of the TAZ protein (p.Gln283His). The glutamine residue is weakly conserved and there is a small physicochemical difference between glutamine and histidine.

NM_000116.5(TAFAZZIN):c.849G>C (p.Gln283His)

Gene: TAFAZZIN (tafazzin, phospholipid-lysophospholipid transacylase; plus strand). Cytogenetic location: Xq28.
Variant type: single nucleotide variant.
Coding change: c.849G>C on transcript NM_000116.5 (MANE Select); coding-DNA position 849, G replaced by C.
Protein change: p.Gln283His; replaces glutamine 283 with histidine.
Molecular consequence: missense variant. On other transcripts: non-coding transcript variant (1).
Genome position (GRCh38, 1-based): chrX:154,420,974, G>C. VCF-style: chrX-154420974-G-C. GRCh37 (hg19) VCF-style: chrX-153649313-G-C.
Other names: c.861G>C, p.Gln287His (NM_001303465.2); c.759G>C, p.Gln253His (NM_181311.4); c.807G>C, p.Gln269His (NM_181312.4); c.717G>C, p.Gln239His (NM_181313.4); short protein forms Q253H, Q269H, Q239H, Q283H, Q287H.
Identifiers: ClinVar variation 953718 (VCV000953718.6), dbSNP rs1025920600, ClinGen allele CA337288957.
Genomic context (GRCh38, chrX:154,420,974, plus strand): 5'-GAAAGCCCTGACGGACTTCATTCAAGAGGAATTCCAGCATCTGAAGACTCAGGCAGAGCA[G>C]CTCCACAACCACCTCCAGCCTGGGAGATAGGCCTTGCTTGCTGCCTTCTGGATTCTTGGC-3'
Protein context (NP_000107.1, residues 273-292): EFQHLKTQAE[Gln283His]LHNHLQPGR